The following is an entry in ClinVar:

NM_001127392.3(MYRF):c.2696G>A (p.Ser899Asn)

Gene: MYRF (myelin regulatory factor; plus strand). Cytogenetic location: 11q12.2.
Variant type: single nucleotide variant.
Coding change: c.2696G>A on transcript NM_001127392.3 (MANE Select); coding-DNA position 2696, G replaced by A.
Protein change: p.Ser899Asn; replaces serine 899 with asparagine.
Molecular consequence: missense variant.
Genome position (GRCh38, 1-based): chr11:61,781,261, G>A. VCF-style: chr11-61781261-G-A. GRCh37 (hg19) VCF-style: chr11-61548733-G-A.
Other names: c.2591G>A, p.Ser864Asn (NM_013279.4); short protein forms S864N, S899N.
Identifiers: ClinVar variation 4278624 (VCV004278624.1).

ClinVar aggregate classification (germline): Uncertain significance (1 of 4 stars; one submission).

Submission:

GeneDx
Classification: Uncertain significance. Last evaluated: 2025-04-01. Review status: criteria provided, single submitter. Criteria: GeneDx Variant Classification Process June 2021. Collection method: clinical testing. Allele origin: germline. Affected: yes.
Comment: Not observed at significant frequency in large population cohorts (gnomAD); In silico analysis suggests this variant may impact gene splicing. In the absence of RNA/functional studies, the actual effect of this sequence change is unknown.; In silico analyses indicate that this missense variant does not alter protein structure/function but may impact gene splicing; in the absence of RNA/functional studies, the actual effect of this sequence change is unknown; Has not been previously published as pathogenic or benign to our knowledge